The following is an entry in ClinVar:

ClinVar aggregate classification (germline): Likely benign. Review status: criteria provided, multiple submitters, no conflicts (2 of 4 stars). 4 submissions from 4 submitters: Likely benign (4). Last evaluated 2025-10-04.

Conditions:
Cardiovascular phenotype. Identifiers: MedGen CN230736.
Naxos disease (NXD). Also called: PALMOPLANTAR KERATODERMA WITH ARRHYTHMOGENIC RIGHT VENTRICULAR CARDIOMYOPATHY AND WOOLLY HAIR; WOOLLY HAIR, PALMOPLANTAR KERATODERMA, AND CARDIAC ABNORMALITIES; CARDIOMYOPATHY, ARRHYTHMOGENIC RIGHT VENTRICULAR, WITH SKIN, HAIR, AND NAIL ABNORMALITIES; KERATOSIS PALMOPLANTARIS WITH ARRHYTHMOGENIC CARDIOMYOPATHY; MAL DE NAXOS. Identifiers: Orphanet 34217, MedGen C1832600, MONDO:0011017, OMIM 601214.
Arrhythmogenic right ventricular dysplasia 12. Also called: ARRHYTHMOGENIC RIGHT VENTRICULAR DYSPLASIA, FAMILIAL, 12. Identifiers: MedGen C1969081, MONDO:0012684, OMIM 611528.

Allele frequency attached by ClinVar (database versions not stated): gnomAD exomes below 0.00001; gnomAD 0.00001; TOPMed 0.00001; ESP Exome Variant Server 0.00008.

Submissions (4):

Labcorp Genetics (formerly Invitae), Labcorp
Classification: Likely benign for Arrhythmogenic right ventricular dysplasia 12; Naxos disease. Last evaluated: 2025-10-04. Review status: criteria provided, single submitter. Criteria: Invitae Variant Classification Sherloc (09022015). Collection method: clinical testing. Allele origin: germline.

Ambry Genetics
Classification: Likely benign for Cardiovascular phenotype. Last evaluated: 2024-03-01. Review status: criteria provided, single submitter. Criteria: Ambry Variant Classification Scheme 2023. Collection method: clinical testing. Allele origin: germline.

Blueprint Genetics
Classification: Likely benign. Last evaluated: 2019-01-18. Review status: criteria provided, single submitter. Criteria: ACMG Guidelines, 2015. Collection method: clinical testing. Allele origin: germline.

GeneDx
Classification: Likely benign. Last evaluated: 2017-05-08. Review status: criteria provided, single submitter. Criteria: GeneDx Variant Classification (06012015). Collection method: clinical testing. Allele origin: germline. Affected: yes.
Comment: This variant is considered likely benign or benign based on one or more of the following criteria: it is a conservative change, it occurs at a poorly conserved position in the protein, it is predicted to be benign by multiple in silico algorithms, and/or has population frequency not consistent with disease.

NM_002230.4(JUP):c.750G>A (p.Leu250=)

Gene: JUP (junction plakoglobin; minus strand). Cytogenetic location: 17q21.2.
Variant type: single nucleotide variant.
Coding change: c.750G>A on transcript NM_002230.4 (MANE Select); coding-DNA position 750, G replaced by A.
Protein change: p.Leu250=; no amino-acid change (leucine 250 retained).
Molecular consequence: synonymous variant.
Genome position (GRCh38, 1-based): chr17:41,767,538, C>T on the plus strand (G>A on the coding strand, the complement: JUP is on the minus strand). VCF-style: chr17-41767538-C-T. GRCh37 (hg19) VCF-style: chr17-39923790-C-T.
Other names: c.750G>A, p.Leu250= (NM_001352773.2, NM_001352774.2, NM_001352775.2 and 3 more transcripts).
Identifiers: ClinVar variation 509349 (VCV000509349.11), dbSNP rs148381639, ClinGen allele CA290700055.